The following is an entry in ClinVar:

ClinVar aggregate classification (germline): Uncertain significance (1 of 4 stars; one submission).

Conditions:
KCNH5-related disorder. Also called: KCNH5-related condition.

Submission:

PreventionGenetics, part of Exact Sciences
Classification: Uncertain significance for KCNH5-related condition. Last evaluated: 2026-08-17. Review status: criteria provided, single submitter. Criteria: ACMG Guidelines, 2015. Collection method: clinical testing. Allele origin: germline.
Comment: The KCNH5 c.2748A>C variant is predicted to result in the amino acid substitution p.Glu916Asp. To our knowledge, this variant has not been reported in the literature or in a large population database (gnomAD), indicating this variant is rare. At this time, the clinical significance of this variant is uncertain due to the absence of conclusive functional and genetic evidence.

NM_139318.5(KCNH5):c.2748A>C (p.Glu916Asp)

Gene: KCNH5 (potassium voltage-gated channel subfamily H member 5; minus strand). Cytogenetic location: 14q23.2.
Variant type: single nucleotide variant.
Coding change: c.2748A>C on transcript NM_139318.5 (MANE Select); coding-DNA position 2748, A replaced by C.
Protein change: p.Glu916Asp; replaces glutamic acid 916 with aspartic acid.
Molecular consequence: missense variant. On other transcripts: 3 prime UTR variant (1).
Genome position (GRCh38, 1-based): chr14:62,707,727, T>G on the plus strand (A>C on the coding strand, the complement: KCNH5 is on the minus strand). VCF-style: chr14-62707727-T-G. GRCh37 (hg19) VCF-style: chr14-63174445-T-G.
Other names: c.*715A>C (NM_172375.3); short protein forms E916D.
Identifiers: ClinVar variation 4991653 (VCV004991653.1).